The following is an entry in ClinVar:

ClinVar aggregate classification (germline): Uncertain significance. Review status: criteria provided, multiple submitters, no conflicts (2 of 4 stars). 2 submissions from 2 submitters: Uncertain significance (2). Last evaluated 2025-08-13.

Conditions:
Inborn genetic diseases. Identifiers: MedGen C0950123, MeSH D030342.
Autosomal recessive distal spinal muscular atrophy 2. Also called: NEURONOPATHY, DISTAL HEREDITARY MOTOR, JERASH TYPE; NEUROPATHY, DISTAL HEREDITARY MOTOR, JERASH TYPE; SPINAL MUSCULAR ATROPHY, JERASH TYPE; NEUROPATHY, DISTAL HEREDITARY MOTOR, AUTOSOMAL RECESSIVE 2; Hereditary motor neuropathy, Jerash type; Motor neuropathy, distal, Jerash type. Identifiers: Orphanet 139552, MedGen C1854023, MONDO:0011585, OMIM 605726.
Amyotrophic lateral sclerosis type 16. Also called: AMYOTROPHIC LATERAL SCLEROSIS 16, JUVENILE. Identifiers: Orphanet 300605, MedGen C3280587, MONDO:0013715, OMIM 614373.

Allele frequency attached by ClinVar (database versions not stated): gnomAD 0.00001; gnomAD exomes below 0.00001.
gnomAD v4.1: 4 of 1,539,224 alleles (0.00026%); highest among the groups gnomAD compares: Non-Finnish European, 0.00035%; no homozygotes.

Submissions (2):

Ambry Genetics
Classification: Uncertain significance for Inborn genetic diseases. Last evaluated: 2025-08-13. Review status: criteria provided, single submitter. Criteria: Ambry Variant Classification Scheme 2023. Collection method: clinical testing. Allele origin: germline.

Labcorp Genetics (formerly Invitae), Labcorp
Classification: Uncertain significance for Autosomal recessive distal spinal muscular atrophy 2; Amyotrophic lateral sclerosis type 16. Last evaluated: 2022-06-28. Review status: criteria provided, single submitter. Criteria: Invitae Variant Classification Sherloc (09022015). Collection method: clinical testing. Allele origin: germline.
Comment: This sequence change replaces valine, which is neutral and non-polar, with methionine, which is neutral and non-polar, at codon 21 of the SIGMAR1 protein (p.Val21Met). This variant is present in population databases (no rsID available, gnomAD 0.002%). This variant has not been reported in the literature in individuals affected with SIGMAR1-related conditions. ClinVar contains an entry for this variant (Variation ID: 1001150). Algorithms developed to predict the effect of missense changes on protein structure and function are either unavailable or do not agree on the potential impact of this missense change (SIFT: "Tolerated"; PolyPhen-2: "Possibly Damaging"; Align-GVGD: "Class C0"). In summary, the available evidence is currently insufficient to determine the role of this variant in disease. Therefore, it has been classified as a Variant of Uncertain Significance.

NM_005866.4(SIGMAR1):c.61G>A (p.Val21Met)

Genes: SIGMAR1 (sigma receptor chaperone 1; minus strand), LOC130001681 (ATAC-STARR-seq lymphoblastoid silent region 19853; plus strand). Cytogenetic location: 9p13.3.
Variant type: single nucleotide variant.
Coding change: c.61G>A on transcript NM_005866.4 (MANE Select); coding-DNA position 61, G replaced by A.
Protein change: p.Val21Met; replaces valine 21 with methionine.
Molecular consequence: missense variant. On other transcripts: 5 prime UTR variant (1), non-coding transcript variant (1).
Genome position (GRCh38, 1-based): chr9:34,637,637, C>T on the plus strand (G>A on the coding strand, the complement: SIGMAR1 is on the minus strand). VCF-style: chr9-34637637-C-T. GRCh37 (hg19) VCF-style: chr9-34637634-C-T.
Other names: c.61G>A, p.Val21Met (NM_001282205.2, NM_001282207.2, NM_001282208.2 and 2 more transcripts); c.-193G>A (NM_001282206.2); short protein forms V21M.
Identifiers: ClinVar variation 1001150 (VCV001001150.9), dbSNP rs1396152845, ClinGen allele CA373275727.